The following is an entry in ClinVar:

NM_017514.5(PLXNA3):c.3909C>T (p.Ala1303=)

Gene: PLXNA3 (plexin A3; plus strand). Cytogenetic location: Xq28.
Variant type: single nucleotide variant.
Coding change: c.3909C>T on transcript NM_017514.5 (MANE Select); coding-DNA position 3909, C replaced by T.
Protein change: p.Ala1303=; no amino-acid change (alanine 1303 retained).
Molecular consequence: synonymous variant.
Genome position (GRCh38, 1-based): chrX:154,468,170, C>T. VCF-style: chrX-154468170-C-T. GRCh37 (hg19) VCF-style: chrX-153696513-C-T.
Identifiers: ClinVar variation 3351410 (VCV003351410.1).

ClinVar aggregate classification (germline): Likely benign (0 of 4 stars; one submission).

Conditions:
PLXNA3-related disorder. Also called: PLXNA3-related condition.

gnomAD v4.1: 47 of 1,185,745 alleles (0.004%); highest among the groups gnomAD compares: African/African-American, 0.053%; no homozygotes.

Submission:

PreventionGenetics, part of Exact Sciences
Classification: Likely benign for PLXNA3-related condition. Last evaluated: 2022-03-24. Review status: no assertion criteria provided. Collection method: clinical testing. Allele origin: germline.
Comment: This variant is classified as likely benign based on ACMG/AMP sequence variant interpretation guidelines (Richards et al. 2015 PMID: 25741868, with internal and published modifications).